The following is an entry in ClinVar:

ClinVar aggregate classification (germline): Uncertain significance (1 of 4 stars; one submission).

Conditions:
Wilson-Turner syndrome (WTS). Also called: MENTAL RETARDATION, X-LINKED, SYNDROMIC 6; INTELLECTUAL DEVELOPMENTAL DISORDER, X-LINKED, SYNDROMIC, WILSON-TURNER TYPE. Identifiers: Orphanet 3459, MedGen C1839736, MONDO:0010665, OMIM 309585.

Submission:

Labcorp Genetics (formerly Invitae), Labcorp
Classification: Uncertain significance for Wilson-Turner syndrome. Last evaluated: 2023-11-27. Review status: criteria provided, single submitter. Criteria: Invitae Variant Classification Sherloc (09022015). Collection method: clinical testing. Allele origin: germline.
Comment: This sequence change replaces proline, which is neutral and non-polar, with alanine, which is neutral and non-polar, at codon 377 of the LAS1L protein (p.Pro377Ala). This variant is not present in population databases (gnomAD no frequency). This variant has not been reported in the literature in individuals affected with LAS1L-related conditions. Advanced modeling of protein sequence and biophysical properties (such as structural, functional, and spatial information, amino acid conservation, physicochemical variation, residue mobility, and thermodynamic stability) performed at Invitae indicates that this missense variant is not expected to disrupt LAS1L protein function with a negative predictive value of 80%. In summary, the available evidence is currently insufficient to determine the role of this variant in disease. Therefore, it has been classified as a Variant of Uncertain Significance.

NM_031206.7(LAS1L):c.1129C>G (p.Pro377Ala)

Gene: LAS1L (LAS1 like ribosome biogenesis factor; minus strand). Cytogenetic location: Xq12.
Variant type: single nucleotide variant.
Coding change: c.1129C>G on transcript NM_031206.7 (MANE Select); coding-DNA position 1129, C replaced by G.
Protein change: p.Pro377Ala; replaces proline 377 with alanine.
Molecular consequence: missense variant. On other transcripts: non-coding transcript variant (1).
Genome position (GRCh38, 1-based): chrX:65,524,227, G>C on the plus strand (C>G on the coding strand, the complement: LAS1L is on the minus strand). VCF-style: chrX-65524227-G-C. GRCh37 (hg19) VCF-style: chrX-64744107-G-C.
Other names: c.1078C>G, p.Pro360Ala (NM_001170649.2, NM_001375331.1, NM_001375333.1 and 2 more transcripts); c.952C>G, p.Pro318Ala (NM_001170650.2); c.1129C>G, p.Pro377Ala (NM_001375328.1, NM_001375329.1, NM_001375330.1 and 3 more transcripts); c.172C>G, p.Pro58Ala (NM_001375332.1); short protein forms P360A, P377A, P318A, P58A.
Identifiers: ClinVar variation 2754641 (VCV002754641.3), dbSNP rs2522574984, ClinGen allele CA413317594.